The following is an entry in ClinVar:

NM_001242896.3(DEPDC5):c.4033+5A>G

Gene: DEPDC5 (DEP domain containing 5, GATOR1 subcomplex subunit; plus strand). Cytogenetic location: 22q12.3.
Variant type: single nucleotide variant.
Coding change: c.4033+5A>G on transcript NM_001242896.3 (MANE Select); 5 bases into the intron after coding-DNA position 4033, A replaced by G.
Molecular consequence: intron variant.
Genome position (GRCh38, 1-based): chr22:31,879,757, A>G. VCF-style: chr22-31879757-A-G. GRCh37 (hg19) VCF-style: chr22-32275743-A-G.
Other names: c.4033+5A>G (NM_001364318.2); c.4006+5A>G (NM_001136029.4); c.3940+5A>G (NM_014662.6, NM_001369903.1); c.3967+5A>G (NM_001363852.2, NM_001364320.2); c.3799+5A>G (NM_001363854.2, NM_001364319.2); c.3733+5A>G (NM_001242897.2); c.3949+5A>G (NM_001369902.1, NM_001369901.1).
Identifiers: ClinVar variation 264743 (VCV000264743.12), dbSNP rs886039270, ClinGen allele CA10588055.

ClinVar aggregate classification (germline): Conflicting classifications of pathogenicity. Review status: criteria provided, conflicting classifications (1 of 4 stars). 3 submissions from 3 submitters: Uncertain significance (1); Likely benign (1). 1 of the submissions does not count toward it. Last evaluated 2025-01-27.

Conditions:
Familial focal epilepsy with variable foci (FPEVF). Identifiers: Orphanet 98820, MedGen C1858477, MONDO:0020310.
Epilepsy, familial focal, with variable foci 1 (FFEVF1). Also called: DEPDC5-Related Epilepsy. Identifiers: MedGen C4551983, MONDO:0024556, OMIM 604364.

Allele frequency attached by ClinVar (database versions not stated): gnomAD exomes 0.00001; TOPMed 0.00002; gnomAD 0.00003.
gnomAD v4.1: 14 of 1,611,940 alleles (0.00087%); highest among the groups gnomAD compares: African/African-American, 0.0067%; no homozygotes.

Submissions (3):

Labcorp Genetics (formerly Invitae), Labcorp
Classification: Uncertain significance for Familial focal epilepsy with variable foci. Last evaluated: 2025-01-27. Review status: criteria provided, single submitter. Criteria: Invitae Variant Classification Sherloc (09022015). Collection method: clinical testing. Allele origin: germline.
Comment: This sequence change falls in intron 38 of the DEPDC5 gene. It does not directly change the encoded amino acid sequence of the DEPDC5 protein. It affects a nucleotide within the consensus splice site. The frequency data for this variant in the population databases is considered unreliable, as metrics indicate poor data quality at this position in the gnomAD database. This variant has been observed in individual(s) with epilepsy (PMID: 26505888). ClinVar contains an entry for this variant (Variation ID: 264743). Variants that disrupt the consensus splice site are a relatively common cause of aberrant splicing (PMID: 17576681, 9536098). Algorithms developed to predict the effect of sequence changes on RNA splicing suggest that this variant is not likely to affect RNA splicing. In summary, the available evidence is currently insufficient to determine the role of this variant in disease. Therefore, it has been classified as a Variant of Uncertain Significance.

GeneDx
Classification: Likely benign. Last evaluated: 2019-06-12. Review status: criteria provided, single submitter. Criteria: GeneDx Variant Classification Process June 2021. Collection method: clinical testing. Allele origin: germline. Affected: yes.
Comment: See Variant Classification Assertion Criteria.

GeneReviews
No classification provided. Condition: Epilepsy, familial focal, with variable foci 1. Review status: no classification provided. Collection method: literature only. Allele origin: germline. Affected: yes. Not counted in ClinVar's aggregate classification.

Literature cited by the submitters: PubMed 26505888 (cited by Labcorp Genetics (formerly Invitae), Labcorp and GeneReviews); PubMed 17576681 (cited by Labcorp Genetics (formerly Invitae), Labcorp); PubMed 9536098 (cited by Labcorp Genetics (formerly Invitae), Labcorp); NCBI Bookshelf NBK385626 (cited by GeneReviews).